The following is an entry in ClinVar:

ClinVar aggregate classification (germline): Uncertain significance (1 of 4 stars; one submission).

Allele frequency attached by ClinVar (database versions not stated): gnomAD exomes below 0.00001; ExAC 0.00001.

Submission:

GeneDx
Classification: Uncertain significance. Last evaluated: 2019-04-15. Review status: criteria provided, single submitter. Criteria: GeneDx Variant Classification Process June 2021. Collection method: clinical testing. Allele origin: germline. Affected: yes.
Comment: Not observed at a significant frequency in large population cohorts (Lek et al., 2016); In silico analysis, which includes protein predictors and evolutionary conservation, supports that this variant does not alter protein structure/function; Has not been previously published as pathogenic or benign to our knowledge

NM_001103146.3(GIGYF2):c.3424A>T (p.Met1142Leu)

Gene: GIGYF2 (GRB10 interacting GYF protein 2; plus strand). Cytogenetic location: 2q37.1.
Variant type: single nucleotide variant.
Coding change: c.3424A>T on transcript NM_001103146.3 (MANE Select); coding-DNA position 3424, A replaced by T.
Protein change: p.Met1142Leu; replaces methionine 1142 with leucine.
Molecular consequence: missense variant.
Genome position (GRCh38, 1-based): chr2:232,845,850, A>T. VCF-style: chr2-232845850-A-T. GRCh37 (hg19) VCF-style: chr2-233710560-A-T.
Other names: c.3487A>T, p.Met1163Leu (NM_001103147.2); c.3406A>T, p.Met1136Leu (NM_001103148.2); c.3424A>T, p.Met1142Leu (NM_015575.4); short protein forms M1136L, M1142L, M1163L.
Identifiers: ClinVar variation 1304224 (VCV001304224.2), dbSNP rs752616608, ClinGen allele CA2170843.